The following is an entry in ClinVar:

NM_000018.4(ACADVL):c.1063A>G (p.Ile355Val)

Gene: ACADVL (acyl-CoA dehydrogenase very long chain; plus strand). Cytogenetic location: 17p13.1.
Variant type: single nucleotide variant.
Coding change: c.1063A>G on transcript NM_000018.4 (MANE Select); coding-DNA position 1063, A replaced by G.
Protein change: p.Ile355Val; replaces isoleucine 355 with valine.
Molecular consequence: missense variant.
Genome position (GRCh38, 1-based): chr17:7,222,851, A>G. VCF-style: chr17-7222851-A-G. GRCh37 (hg19) VCF-style: chr17-7126170-A-G.
Other names: c.997A>G, p.Ile333Val (NM_001033859.3); c.1132A>G, p.Ile378Val (NM_001270447.2); c.835A>G, p.Ile279Val (NM_001270448.2); short protein forms I378V, I333V, I279V, I355V.
Identifiers: ClinVar variation 932874 (VCV000932874.4), dbSNP rs2071297089, ClinGen allele CA397724269.

ClinVar aggregate classification (germline): Uncertain significance. Review status: criteria provided, multiple submitters, no conflicts (2 of 4 stars). 2 submissions from 2 submitters: Uncertain significance (2). Last evaluated 2022-09-14.

Conditions:
Very long chain acyl-CoA dehydrogenase deficiency (ACADVLD). Also called: Very Long-Chain Acyl-Coenzyme A Dehydrogenase Deficiency; VLCAD Deficiency. Identifiers: Orphanet 26793, MedGen C3887523, MONDO:0008723, OMIM 201475.

Allele frequency attached by ClinVar (database versions not stated): gnomAD exomes below 0.00001; TOPMed below 0.00001; gnomAD 0.00001.
gnomAD v4.1: 5 of 1,612,244 alleles (0.00031%); highest among the groups gnomAD compares: Non-Finnish European, 0.00042%; no homozygotes.

Submissions (2):

Labcorp Genetics (formerly Invitae), Labcorp
Classification: Uncertain significance for Very long chain acyl-CoA dehydrogenase deficiency. Last evaluated: 2022-09-14. Review status: criteria provided, single submitter. Criteria: Invitae Variant Classification Sherloc (09022015). Collection method: clinical testing. Allele origin: germline.
Comment: This sequence change replaces isoleucine, which is neutral and non-polar, with valine, which is neutral and non-polar, at codon 355 of the ACADVL protein (p.Ile355Val). This variant is not present in population databases (gnomAD no frequency). This variant has not been reported in the literature in individuals affected with ACADVL-related conditions. ClinVar contains an entry for this variant (Variation ID: 932874). Advanced modeling of protein sequence and biophysical properties (such as structural, functional, and spatial information, amino acid conservation, physicochemical variation, residue mobility, and thermodynamic stability) performed at Invitae indicates that this missense variant is not expected to disrupt ACADVL protein function. This variant disrupts the p.Ile355 amino acid residue in ACADVL. Other variant(s) that disrupt this residue have been determined to be pathogenic (Invitae). This suggests that this residue is clinically significant, and that variants that disrupt this residue are likely to be disease-causing. In summary, the available evidence is currently insufficient to determine the role of this variant in disease. Therefore, it has been classified as a Variant of Uncertain Significance.

Wong Mito Lab, Molecular and Human Genetics, Baylor College of Medicine
Classification: Uncertain significance for Very long chain acyl-CoA dehydrogenase deficiency. Last evaluated: 2019-11-01. Review status: criteria provided, single submitter. Criteria: ACMG Guidelines, 2015. Collection method: clinical testing. Allele origin: germline.
Comment: The NM_000018.3:c.1063A>G (NP_000009.1:p.Ile355Val) [GRCH38: NC_000017.11:g.7222851A>G] variant in ACADVL gene is interpretated to be Uncertain Significance based on ACMG guidelines (PMID: 25741868). This variant has been reported. This variant meets the following evidence codes reported in the ACMG guidelines: BP4